The following is an entry in ClinVar:

ClinVar aggregate classification (germline): Uncertain significance (1 of 4 stars; one submission).

Conditions:
Duchenne muscular dystrophy (DMD). Also called: Duchenne Muscular Dystrophy (DMD); MUSCULAR DYSTROPHY, PSEUDOHYPERTROPHIC PROGRESSIVE, DUCHENNE TYPE. Identifiers: Orphanet 98896, MedGen C0013264, MONDO:0010679, OMIM 310200.

Submission:

Labcorp Genetics (formerly Invitae), Labcorp
Classification: Uncertain significance for Duchenne muscular dystrophy. Last evaluated: 2022-07-26. Review status: criteria provided, single submitter. Criteria: Invitae Variant Classification Sherloc (09022015). Collection method: clinical testing. Allele origin: germline.
Comment: This variant results in a copy number gain of the genomic region encompassing exon(s) 52-55 of the DMD gene. While the exact position of this variant cannot be determined from the data, sub-genic copy number gains are generally in tandem (PMID: 25640679). This variant is predicted to be in-frame, and likely preserves the integrity of the reading frame. A similar copy number variant has been observed in individual(s) with Duchenne or Becker muscular dystrophy (PMID: 16917894). Experimental studies and prediction algorithms are not available or were not evaluated, and the functional significance of this variant is currently unknown. In summary, the available evidence is currently insufficient to determine the role of this variant in disease. Therefore, it has been classified as a Variant of Uncertain Significance.

Literature cited by the submitters: PubMed 25640679; PubMed 16917894.

NC_000023.10:g.(?_31627738)_(31747885_?)dup

Gene: DMD (dystrophin; minus strand). Cytogenetic location: Xp21.1.
Variant type: Duplication.
Identifiers: ClinVar variation 2424862 (VCV002424862.4).